The following is an entry in ClinVar:

NM_005765.3(ATP6AP2):c.38-8C>G

Gene: ATP6AP2 (ATPase H+ transporting accessory protein 2; plus strand). Cytogenetic location: Xp11.4.
Variant type: single nucleotide variant.
Coding change: c.38-8C>G on transcript NM_005765.3 (MANE Select); 8 bases into the intron before coding-DNA position 38, C replaced by G.
Molecular consequence: intron variant.
Genome position (GRCh38, 1-based): chrX:40,588,978, C>G. VCF-style: chrX-40588978-C-G. GRCh37 (hg19) VCF-style: chrX-40448230-C-G.
Identifiers: ClinVar variation 3340729 (VCV003340729.1).
Genomic context (GRCh38, chrX:40,588,978, plus strand): 5'-TTTAATAATTGTCAAGGTAAATGATTTATGATGTTGATAATTCATTTACTGATCTGTTTT[C>G]TTTTCAGGTGTTTTGGGGAACGAGTTTAGTATATTAAAATCACCAGGGTCTGTTGTTTTC-3'

ClinVar aggregate classification (germline): Uncertain significance (1 of 4 stars; one submission).

Submission:

GeneDx
Classification: Uncertain significance. Last evaluated: 2024-02-14. Review status: criteria provided, single submitter. Criteria: GeneDx Variant Classification Process June 2021. Collection method: clinical testing. Allele origin: germline. Affected: yes.
Comment: In silico analysis supports that this variant does not alter splicing; Not observed at significant frequency in large population cohorts (gnomAD); Has not been previously published as pathogenic or benign to our knowledge